The following is an entry in ClinVar:

NM_001378778.1(MPDZ):c.941G>A (p.Ser314Asn)

Gene: MPDZ (multiple PDZ domain crumbs cell polarity complex component; minus strand). Cytogenetic location: 9p23.
Variant type: single nucleotide variant.
Coding change: c.941G>A on transcript NM_001378778.1 (MANE Select); coding-DNA position 941, G replaced by A.
Protein change: p.Ser314Asn; replaces serine 314 with asparagine.
Molecular consequence: missense variant.
Genome position (GRCh38, 1-based): chr9:13,219,704, C>T on the plus strand (G>A on the coding strand, the complement: MPDZ is on the minus strand). VCF-style: chr9-13219704-C-T. GRCh37 (hg19) VCF-style: chr9-13219703-C-T.
Other names: c.941G>A (NM_003829.3); c.941G>A, p.Ser314Asn (NM_001261406.2, NM_001261407.2, NM_001330637.2 and 14 more transcripts); short protein forms S314N.
Identifiers: ClinVar variation 1468715 (VCV001468715.9), dbSNP rs1164921723, ClinGen allele CA372945767.

ClinVar aggregate classification (germline): Uncertain significance. Review status: criteria provided, multiple submitters, no conflicts (2 of 4 stars). 2 submissions from 2 submitters: Uncertain significance (2). Last evaluated 2024-08-27.

Conditions:
Inborn genetic diseases. Identifiers: MedGen C0950123, MeSH D030342.

Allele frequency attached by ClinVar (database versions not stated): gnomAD 0.00001; TOPMed 0.00001.
gnomAD v4.1: 2 of 1,612,648 alleles (0.00012%); highest among the groups gnomAD compares: East Asian, 0.0045%; no homozygotes.

Submissions (2):

Ambry Genetics
Classification: Uncertain significance for Inborn genetic diseases. Last evaluated: 2024-08-27. Review status: criteria provided, single submitter. Criteria: Ambry Variant Classification Scheme 2023. Collection method: clinical testing. Allele origin: germline.

Labcorp Genetics (formerly Invitae), Labcorp
Classification: Uncertain significance. Last evaluated: 2022-08-31. Review status: criteria provided, single submitter. Criteria: Invitae Variant Classification Sherloc (09022015). Collection method: clinical testing. Allele origin: germline.
Comment: This variant is present in population databases (no rsID available, gnomAD 0.01%). In summary, the available evidence is currently insufficient to determine the role of this variant in disease. Therefore, it has been classified as a Variant of Uncertain Significance. Algorithms developed to predict the effect of missense changes on protein structure and function are either unavailable or do not agree on the potential impact of this missense change (SIFT: "Deleterious"; PolyPhen-2: "Benign"; Align-GVGD: "Class C45"). ClinVar contains an entry for this variant (Variation ID: 1468715). This variant has not been reported in the literature in individuals affected with MPDZ-related conditions. This sequence change replaces serine, which is neutral and polar, with asparagine, which is neutral and polar, at codon 314 of the MPDZ protein (p.Ser314Asn).